The following is an entry in ClinVar:

ClinVar aggregate classification (germline): Conflicting classifications of pathogenicity. Review status: criteria provided, conflicting classifications (1 of 4 stars). 5 submissions from 5 submitters: Uncertain significance (2); Likely benign (3). Last evaluated 2026-07-01.

Conditions:
Connective tissue disorder. Also called: Connective tissue disease. Identifiers: MedGen C0009782, MONDO:0003900.
Short-rib thoracic dysplasia 6 with or without polydactyly (SRTD6). Also called: SHORT-RIB THORACIC DYSPLASIA 6 WITH POLYDACTYLY; SHORT-RIB THORACIC DYSPLASIA 6 WITHOUT POLYDACTYLY; Majewski Syndrome; SHORT RIB-POLYDACTYLY SYNDROME, TYPE IIA; POLYDACTYLY WITH NEONATAL CHONDRODYSTROPHY, TYPE II. Identifiers: MedGen C0024507, MONDO:0009894, OMIM 263520.

Allele frequency attached by ClinVar (database versions not stated): 1000 Genomes Project 30x 0.00016; 1000 Genomes Project 0.00020; TOPMed 0.00022; ExAC 0.00023; gnomAD exomes 0.00023 and 0.00039; gnomAD 0.00025 and 0.00026; ESP Exome Variant Server 0.00049.
gnomAD v4.1: 623 of 1,611,286 alleles (0.039%); highest among the groups gnomAD compares: Non-Finnish European, 0.046%; 1 homozygote.

Submissions (5):

CeGaT Center for Human Genetics Tuebingen
Classification: Likely benign. Last evaluated: 2026-07-01. Review status: criteria provided, single submitter. Criteria: CeGaT Center For Human Genetics Tuebingen Variant Classification Criteria Version 2. Collection method: clinical testing. Allele origin: germline. Affected: yes. Observed: 2 variant alleles.
Comment: NEK1: BP4

Labcorp Genetics (formerly Invitae), Labcorp
Classification: Likely benign for Short-rib thoracic dysplasia 6 with or without polydactyly. Last evaluated: 2025-12-23. Review status: criteria provided, single submitter. Criteria: Invitae Variant Classification Sherloc (09022015). Collection method: clinical testing. Allele origin: germline.

Laboratory of Genetics, Children's Clinical University Hospital Latvia
Classification: Likely benign. Last evaluated: 2025-02-16. Review status: criteria provided, single submitter. Criteria: ACMG Guidelines, 2015. Collection method: clinical testing. Allele origin: germline. Affected: yes.

Genome Diagnostics Laboratory, The Hospital for Sick Children
Classification: Uncertain significance for Connective tissue disorder. Last evaluated: 2021-02-08. Review status: criteria provided, single submitter. Criteria: ACMG Guidelines, 2015. Collection method: clinical testing. Allele origin: germline.

Illumina Laboratory Services, Illumina
Classification: Uncertain significance for Short-rib thoracic dysplasia 6 with or without polydactyly. Last evaluated: 2018-01-12. Review status: criteria provided, single submitter. Criteria: ICSL Variant Classification Criteria 13 December 2019. Collection method: clinical testing. Allele origin: germline.

NM_001199397.3(NEK1):c.3583+8A>C

Gene: NEK1 (NIMA related kinase 1; minus strand). Cytogenetic location: 4q33.
Variant type: single nucleotide variant.
Coding change: c.3583+8A>C on transcript NM_001199397.3 (MANE Select); 8 bases into the intron after coding-DNA position 3583, A replaced by C.
Molecular consequence: intron variant.
Genome position (GRCh38, 1-based): chr4:169,401,644, T>G on the plus strand (A>C on the coding strand, the complement: NEK1 is on the minus strand). VCF-style: chr4-169401644-T-G. GRCh37 (hg19) VCF-style: chr4-170322795-T-G.
Other names: c.3100+8A>C (NM_001374421.1); c.3448+8A>C (NM_001374420.1); c.3292+8A>C (NM_001199399.3); c.3451+8A>C (NM_001199398.3); c.3499+8A>C (NM_001374419.1, NM_012224.4); c.3367+8A>C (NM_001199400.3); c.3583+8A>C (NM_001374418.1).
Identifiers: ClinVar variation 348091 (VCV000348091.20), dbSNP rs192372022, ClinGen allele CA3137136.